The following is an entry in ClinVar:

ClinVar aggregate classification (germline): Uncertain significance (1 of 4 stars; one submission).

Conditions:
Emery-Dreifuss muscular dystrophy 5, autosomal dominant (EDMD5). Also called: EMERY-DREIFUSS MUSCULAR DYSTROPHY 5. Identifiers: Orphanet 261, MedGen C2751805, MONDO:0013072, OMIM 612999.

Submission:

Labcorp Genetics (formerly Invitae), Labcorp
Classification: Uncertain significance for Emery-Dreifuss muscular dystrophy 5, autosomal dominant. Last evaluated: 2022-02-04. Review status: criteria provided, single submitter. Criteria: Invitae Variant Classification Sherloc (09022015). Collection method: clinical testing. Allele origin: germline.
Comment: Experimental studies and prediction algorithms are not available or were not evaluated, and the functional significance of this variant is currently unknown. In summary, the available evidence is currently insufficient to determine the role of this variant in disease. Therefore, it has been classified as a Variant of Uncertain Significance. This variant has not been reported in the literature in individuals affected with SYNE2-related conditions. This variant is present in population databases (no rsID available, gnomAD 0.007%). This variant, c.6028_6030del, results in the deletion of 1 amino acid(s) of the SYNE2 protein (p.Glu2010del), but otherwise preserves the integrity of the reading frame.

NM_182914.3(SYNE2):c.6019GAA[3] (p.Glu2010del)

Gene: SYNE2 (spectrin repeat containing nuclear envelope protein 2; plus strand). Cytogenetic location: 14q23.2.
Variant type: Microsatellite.
Coding change: c.6019GAA[3] on transcript NM_182914.3 (MANE Select); three copies in a row of the 3-base unit GAA starting at c.6019; the reference has four copies in a row; one copy, 3 bases deleted.
Protein change: p.Glu2010del; deletes glutamic acid 2010.
Molecular consequence: inframe deletion.
Genome position (GRCh38, 1-based): chr14:64,025,197-64,025,199, GAA deleted; deleting any 3 consecutive bases within chr14:64,025,188-64,025,199 gives the same sequence; the position shown is the placement nearest the transcript's 3' end. VCF-style (leftmost placement, unchanged base first): chr14-64025187-TGAA-T. GRCh37 (hg19) VCF-style: chr14-64491905-TGAA-T.
Other names: c.6019GAA[3], p.Glu2010del (NM_015180.6); short protein forms E2010del.
Identifiers: ClinVar variation 1516413 (VCV001516413.8), dbSNP rs908642792, ClinGen allele CA261814956.